The following is an entry in ClinVar:

NM_182925.5(FLT4):c.1323G>C (p.Gln441His)

Gene: FLT4 (fms related receptor tyrosine kinase 4; minus strand). Cytogenetic location: 5q35.3.
Variant type: single nucleotide variant.
Coding change: c.1323G>C on transcript NM_182925.5 (MANE Select); coding-DNA position 1323, G replaced by C.
Protein change: p.Gln441His; replaces glutamine 441 with histidine.
Molecular consequence: missense variant.
Genome position (GRCh38, 1-based): chr5:180,625,967, C>G on the plus strand (G>C on the coding strand, the complement: FLT4 is on the minus strand). VCF-style: chr5-180625967-C-G. GRCh37 (hg19) VCF-style: chr5-180052967-C-G.
Other names: c.1323G>C, p.Gln441His (NM_001354989.2, NM_002020.5); short protein forms Q441H.
Identifiers: ClinVar variation 5008100 (VCV005008100.1).

ClinVar aggregate classification (germline): Uncertain significance (1 of 4 stars; one submission).

gnomAD v4.1: 543 of 1,612,798 alleles (0.034%); highest among the groups gnomAD compares: African/African-American, 0.66%; 4 homozygotes.

Submission:

GeneDx
Classification: Uncertain significance. Last evaluated: 2026-03-06. Review status: criteria provided, single submitter. Criteria: GeneDx Variant Classification Process June 2021. Collection method: clinical testing. Allele origin: germline.
Comment: Reported in a patient with history of repaired tetralogy of Fallot and type A aortic dissection in adulthood; additional genetic variants were found, including one in the MYLK gene (PMID: 39713234); In silico analysis supports that this missense variant has a deleterious effect on protein structure/function; This variant is associated with the following publications: (PMID: 39713234)